The following is an entry in ClinVar:

ClinVar aggregate classification (germline): Pathogenic (1 of 4 stars; one submission).

Conditions:
Severe X-linked myotubular myopathy (CNMX). Also called: MYOTUBULAR MYOPATHY 1; X-linked centronuclear myopathy; Myotubular myopathy, X-linked. Identifiers: Orphanet 596, MedGen C0410203, MONDO:0010683, OMIM 310400.

Submission:

Victorian Clinical Genetics Services, Murdoch Childrens Research Institute
Classification: Pathogenic for Severe X-linked myotubular myopathy. Last evaluated: 2025-12-16. Review status: criteria provided, single submitter. Criteria: ACMG Guidelines, 2015. Collection method: clinical testing. Allele origin: germline. Affected: yes.
Comment: This variant is classified as Pathogenic. Evidence in support of pathogenic classification: Variant is predicted to cause nonsense-mediated decay (NMD) and loss of protein (premature termination codon is located at least 54 nucleotides upstream of the final exon-exon junction); Variant is absent from gnomAD (v2, v3 and v4); This variant has limited previous evidence of pathogenicity in an unrelated family. Other NMD-predicted variant(s) comparable to the one identified in this case have very strong previous evidence for pathogenicity (DECIPHER). Additional information: This gene is associated with X-linked disease; manifesting female carriers of pathogenic variants who present with a range of clinical severity and skewed X-inactivation are increasingly being reported (GeneReviews, PMID: 28685322); Loss of function is a known mechanism of disease in this gene and is associated with X-linked centronuclear myopathy (MIM#310400).

Literature cited by the submitters: PubMed 26898940; PubMed 28685322; PubMed 26938784.

NM_000252.3(MTM1):c.226G>T (p.Glu76Ter)

Gene: MTM1 (myotubularin 1; plus strand). Cytogenetic location: Xq28.
Variant type: single nucleotide variant.
Coding change: c.226G>T on transcript NM_000252.3 (MANE Select); coding-DNA position 226, G replaced by T.
Protein change: p.Glu76Ter; replaces glutamic acid 76 with a stop codon.
Molecular consequence: nonsense.
Genome position (GRCh38, 1-based): chrX:150,598,681, G>T. VCF-style: chrX-150598681-G-T. GRCh37 (hg19) VCF-style: chrX-149767145-G-T.
Other names: c.226G>T, p.Glu76Ter (NM_001376906.1, NM_001376907.1, NM_001376908.1); short protein forms E76*.
Identifiers: ClinVar variation 369659 (VCV000369659.3), dbSNP rs1057516031, ClinGen allele CA10654772.